The following is an entry in ClinVar:

NM_025225.3(PNPLA3):c.*747T>A

Gene: PNPLA3 (patatin like domain 3, 1-acylglycerol-3-phosphate O-acyltransferase; plus strand). Cytogenetic location: 22q13.31.
Variant type: single nucleotide variant.
Coding change: c.*747T>A on transcript NM_025225.3 (MANE Select); 747 bases downstream of the stop codon, T replaced by A.
Molecular consequence: 3 prime UTR variant.
Genome position (GRCh38, 1-based): chr22:43,947,129, T>A. VCF-style: chr22-43947129-T-A. GRCh37 (hg19) VCF-style: chr22-44343009-T-A.
Identifiers: ClinVar variation 341956 (VCV000341956.6), dbSNP rs62228000, ClinGen allele CA10651444.
Genomic context (GRCh38, chr22:43,947,129, plus strand): 5'-AAAAAATCGGTTGGGTGCAGTGGCACACGGCTGTAATCCCAGCACTTTGGGAGGCCAAGG[T>A]TGGCAGATCACCTGAGGTCAGGAGTTCAAGACCAGTCTGGCCAACATAGCAAAACCCTGT-3'

ClinVar aggregate classification (germline): Benign. Review status: criteria provided, multiple submitters, no conflicts (2 of 4 stars). 2 submissions from 2 submitters: Benign (2). Last evaluated 2018-01-13.

Conditions:
NAFLD1 (FLD1). Also called: FATTY LIVER DISEASE, SUSCEPTIBILITY TO, 1; Fatty liver disease, nonalcoholic 1. Identifiers: MedGen C2750440, MONDO:0021105, OMIM 613282.

Allele frequency attached by ClinVar (database versions not stated): gnomAD exomes 0.10974; TOPMed 0.14127; gnomAD 0.14809 and 0.14821; 1000 Genomes Project 0.16494; 1000 Genomes Project 30x 0.16708.
gnomAD v4.1: 26,270 of 187,304 alleles (14%); highest among the groups gnomAD compares: African/African-American, 23%; 2,196 homozygotes.

Submissions (2):

Illumina Laboratory Services, Illumina
Classification: Benign for NAFLD1. Last evaluated: 2018-01-13. Review status: criteria provided, single submitter. Criteria: ICSL Variant Classification Criteria 13 December 2019. Collection method: clinical testing. Allele origin: germline.
Comment: This variant was observed in the ICSL laboratory as part of a predisposition screen in an ostensibly healthy population. It had not been previously curated by ICSL or reported in the Human Gene Mutation Database (HGMD: prior to June 1st, 2018), and was therefore a candidate for classification through an automated scoring system. Utilizing variant allele frequency, disease prevalence and penetrance estimates, and inheritance mode, an automated score was calculated to assess if this variant is too frequent to cause the disease. Based on the score and internal cut-off values, a variant classified as benign is not then subjected to further curation. The score for this variant resulted in a classification of benign for this disease.

Breakthrough Genomics
Classification: Benign. Review status: criteria provided, single submitter. Criteria: ACMG Guidelines, 2015. Collection method: not provided. Allele origin: germline. Inheritance: Unknown mechanism. Affected: yes.